The following is an entry in ClinVar:

ClinVar aggregate classification (germline): Likely pathogenic (1 of 4 stars; one submission).

Conditions:
Cataract 14 multiple types. Also called: CATARACT 14, ZONULAR PULVERULENT; CATARACT 14, NUCLEAR PULVERULENT; CATARACT 14, NUCLEAR PULVERULENT AND POSTERIOR POLAR; CATARACT 14, NUCLEAR CORALLIFORM; CATARACT 14, EMBRYONAL NUCLEAR; CATARACT 14, COPPOCK-LIKE. Identifiers: Orphanet 91492, MedGen C1866078, MONDO:0011162, OMIM 601885.

Submission:

Dept. Genetics and Cancer, Menzies Institute for Medical Research, University of Tasmania
Classification: Likely pathogenic for Cataract 14 multiple types. Last evaluated: 2023-01-21. Review status: criteria provided, single submitter. Criteria: ACMG Guidelines, 2015. Collection method: curation. Allele origin: germline. Affected: yes.
Comment: Variant identified and curated during a GJA3 specific review of the literature in relation to pediatric or congenital cataract. ACMG-AMP criteria applied: PP1(Strong), PM2(Supporting), PP3. Original variant report:ISSN:1940-5901/IJCEM0041799. Gene review and curation guidelines are outlined in: DOI 10.1080/17469899.2023.2160320

NM_021954.4(GJA3):c.584C>T (p.Ser195Phe)

Gene: GJA3 (gap junction protein alpha 3; minus strand). Cytogenetic location: 13q12.11.
Variant type: single nucleotide variant.
Coding change: c.584C>T on transcript NM_021954.4 (MANE Select); coding-DNA position 584, C replaced by T.
Protein change: p.Ser195Phe; replaces serine 195 with phenylalanine.
Molecular consequence: missense variant.
Genome position (GRCh38, 1-based): chr13:20,142,705, G>A on the plus strand (C>T on the coding strand, the complement: GJA3 is on the minus strand). VCF-style: chr13-20142705-G-A. GRCh37 (hg19) VCF-style: chr13-20716844-G-A.
Other names: short protein forms S195F.
Identifiers: ClinVar variation 3253692 (VCV003253692.1), dbSNP rs2500171522.
Genomic context (GRCh38, chr13:20,142,705, plus strand): 5'-AGGGACGCGCAGGCCACCGCCAGCATGAAGATGATGAAGATGGTCTTCTCCGTGGGCCTG[G>A]AGATGAAGCAGTCCACCGTGTTGGGGCAGGGCCAGCGGTCGCAGCGGTAGAGCGGCTTCA-3'
Protein context (NP_068773.2, residues 185-205): PCPNTVDCFI[Ser195Phe]RPTEKTIFII